The following is an entry in ClinVar:

NM_002474.3(MYH11):c.2292G>T (p.Gly764=)

Gene: MYH11 (myosin heavy chain 11; minus strand). Cytogenetic location: 16p13.11.
Variant type: single nucleotide variant.
Coding change: c.2292G>T on transcript NM_002474.3 (MANE Select); coding-DNA position 2292, G replaced by T.
Protein change: p.Gly764=; no amino-acid change (glycine 764 retained).
Molecular consequence: synonymous variant.
Genome position (GRCh38, 1-based): chr16:15,747,689, C>A on the plus strand (G>T on the coding strand, the complement: MYH11 is on the minus strand). VCF-style: chr16-15747689-C-A. GRCh37 (hg19) VCF-style: chr16-15841546-C-A.
Other names: c.2313G>T, p.Gly771= (NM_001040113.2, NM_001040114.2); c.2292G>T, p.Gly764= (NM_022844.3).
Identifiers: ClinVar variation 405476 (VCV000405476.11), dbSNP rs780354636, ClinGen allele CA7922321.

ClinVar aggregate classification (germline): Likely benign. Review status: criteria provided, multiple submitters, no conflicts (2 of 4 stars). 3 submissions from 3 submitters: Likely benign (3). Last evaluated 2025-08-05.

Conditions:
Familial thoracic aortic aneurysm and aortic dissection (TAAD). Also called: Thoracic aortic aneurysms and dissections. Identifiers: Orphanet 91387, MedGen C4707243, MONDO:0019625.
Aortic aneurysm, familial thoracic 4 (AAT4). Also called: AORTIC ANEURYSM/AORTIC DISSECTION AND PATENT DUCTUS ARTERIOSUS. Identifiers: MedGen C1851504, MONDO:0007568, OMIM 132900.

Allele frequency attached by ClinVar (database versions not stated): gnomAD exomes below 0.00001; ExAC 0.00001.
gnomAD v4.1: 7 of 1,614,086 alleles (0.00043%); highest among the groups gnomAD compares: Middle Eastern, 0.033%; no homozygotes.

Submissions (3):

Labcorp Genetics (formerly Invitae), Labcorp
Classification: Likely benign for Aortic aneurysm, familial thoracic 4. Last evaluated: 2025-08-05. Review status: criteria provided, single submitter. Criteria: Invitae Variant Classification Sherloc (09022015). Collection method: clinical testing. Allele origin: germline.

All of Us Research Program, National Institutes of Health
Classification: Likely benign for Familial thoracic aortic aneurysm and aortic dissection. Last evaluated: 2024-02-22. Review status: criteria provided, single submitter. Criteria: ACMG Guidelines, 2015. Collection method: clinical testing. Allele origin: germline. Inheritance: Autosomal dominant inheritance. Observed: 1 variant allele, 1 heterozygote.
Comment: This study involves interpretation of variants in research participants for the purpose of population health screening. Participant phenotype was not available at the time of variant classification. Additional details can be found in publication PMID: 35346344, PMCID: PMC8962531

Color Diagnostics, LLC DBA Color Health
Classification: Likely benign for Familial thoracic aortic aneurysm and aortic dissection. Last evaluated: 2019-10-09. Review status: criteria provided, single submitter. Criteria: ACMG Guidelines, 2015. Collection method: clinical testing. Allele origin: germline.